The following is an entry in ClinVar:

NM_152327.5(AK7):c.498+2dup

Gene: AK7 (adenylate kinase 7; plus strand). Cytogenetic location: 14q32.2.
Variant type: Duplication.
Coding change: c.498+2dup on transcript NM_152327.5 (MANE Select); the canonical splice donor site of the intron after coding-DNA position 498, one base duplicated (T; older notation c.498+2dupT).
Molecular consequence: splice donor variant.
Genome position (GRCh38, 1-based): chr14:96,408,943, T duplicated. VCF-style (leftmost placement, unchanged base first): chr14-96408942-G-GT. GRCh37 (hg19) VCF-style: chr14-96875279-G-GT.
Other names: c.498+2dup (NM_001350888.2, NM_001350890.2, NM_001350892.2 and 1 more transcripts).
Identifiers: ClinVar variation 2895278 (VCV002895278.3), dbSNP rs2504339179, ClinGen allele CA2739278749.
Genomic context (GRCh38, chr14:96,408,942, plus strand): 5'-AAGCTATTTATTTTACTGTCGACGGTGATGACTTGGGCGCGCTCCAAAGCCCTGGACCCC[G>GT]TAAGTAGAGCGTTAGCTTTCCTTTAGGTAACATTTCAGCCATAACACCTTGTAATCTGTG-3'

ClinVar aggregate classification (germline): Uncertain significance (1 of 4 stars; one submission).

Submission:

Labcorp Genetics (formerly Invitae), Labcorp
Classification: Uncertain significance. Last evaluated: 2023-05-20. Review status: criteria provided, single submitter. Criteria: Invitae Variant Classification Sherloc (09022015). Collection method: clinical testing. Allele origin: germline.
Comment: In summary, the available evidence is currently insufficient to determine the role of this variant in disease. Therefore, it has been classified as a Variant of Uncertain Significance. This sequence change falls in intron 4 of the AK7 gene. It does not directly change the encoded amino acid sequence of the AK7 protein. It affects a nucleotide within the consensus splice site. This variant is not present in population databases (gnomAD no frequency). This variant has not been reported in the literature in individuals affected with AK7-related conditions. Variants that disrupt the consensus splice site are a relatively common cause of aberrant splicing (PMID: 17576681, 9536098). Algorithms developed to predict the effect of sequence changes on RNA splicing suggest that this variant may disrupt the consensus splice site.

Literature cited by the submitters: PubMed 17576681; PubMed 9536098.